The following is an entry in ClinVar:

NM_001283009.2(RTEL1):c.3800C>T (p.Ala1267Val)

Genes: RTEL1 (regulator of telomere elongation helicase 1; plus strand), RTEL1-TNFRSF6B (RTEL1-TNFRSF6B readthrough (NMD candidate); plus strand). Cytogenetic location: 20q13.33.
Variant type: single nucleotide variant.
Coding change: c.3800C>T on transcript NM_001283009.2 (MANE Select); coding-DNA position 3800, C replaced by T.
Protein change: p.Ala1267Val; replaces alanine 1267 with valine.
Molecular consequence: missense variant. On other transcripts: non-coding transcript variant (1), intron variant (3).
Genome position (GRCh38, 1-based): chr20:63,695,628, C>T. VCF-style: chr20-63695628-C-T. GRCh37 (hg19) VCF-style: chr20-62326981-C-T.
Other names: c.2983+148C>T (NM_001283010.1); c.3724+148C>T (NM_032957.5); c.3652+148C>T (NM_016434.4); short protein forms A1267V.
Identifiers: ClinVar variation 4863548 (VCV004863548.1).

ClinVar aggregate classification (germline): Uncertain significance (1 of 4 stars; one submission).

Conditions:
Inborn genetic diseases. Identifiers: MedGen C0950123, MeSH D030342.

gnomAD v4.1: 10 of 1,611,650 alleles (0.00062%); highest among the groups gnomAD compares: South Asian, 0.0011%; no homozygotes.

Submission:

Ambry Genetics
Classification: Uncertain significance for Inborn genetic diseases. Last evaluated: 2026-04-12. Review status: criteria provided, single submitter. Criteria: Ambry Variant Classification Scheme 2023. Collection method: clinical testing. Allele origin: germline.
Comment: The p.A1267V variant (also known as c.3800C>T), located in coding exon 33 of the RTEL1 gene, results from a C to T substitution at nucleotide position 3800. The alanine at codon 1267 is replaced by valine, an amino acid with similar properties. This amino acid position is conserved. In addition, this alteration is predicted to be tolerated by in silico analysis. Based on the available evidence, the clinical significance of this variant remains unclear.